The following is an entry in ClinVar:

ClinVar aggregate classification (germline): Likely benign (1 of 4 stars; one submission).

gnomAD v4.1: 38 of 1,613,940 alleles (0.0024%); highest among the groups gnomAD compares: Admixed American, 0.017%; no homozygotes.

Submission:

CeGaT Center for Human Genetics Tuebingen
Classification: Likely benign. Last evaluated: 2025-06-01. Review status: criteria provided, single submitter. Criteria: CeGaT Center For Human Genetics Tuebingen Variant Classification Criteria Version 2. Collection method: clinical testing. Allele origin: germline. Affected: yes. Observed: 1 variant allele.
Comment: PIK3C2B: BP4, BP7

NM_001377334.1(PIK3C2B):c.1287C>T (p.Cys429=)

Gene: PIK3C2B (phosphatidylinositol-4-phosphate 3-kinase catalytic subunit type 2 beta; minus strand). Cytogenetic location: 1q32.1.
Variant type: single nucleotide variant.
Coding change: c.1287C>T on transcript NM_001377334.1 (MANE Select); coding-DNA position 1287, C replaced by T.
Protein change: p.Cys429=; no amino-acid change (cysteine 429 retained).
Molecular consequence: synonymous variant.
Genome position (GRCh38, 1-based): chr1:204,464,035, G>A on the plus strand (C>T on the coding strand, the complement: PIK3C2B is on the minus strand). VCF-style: chr1-204464035-G-A. GRCh37 (hg19) VCF-style: chr1-204433163-G-A.
Other names: c.1287C>T, p.Cys429= (NM_001377335.1, NM_002646.4).
Identifiers: ClinVar variation 4084003 (VCV004084003.8).
Genomic context (GRCh38, chr1:204,464,035, plus strand): 5'-CAGGAAGGCAGGGGCTACCTCCCACCCATTCACTCACTTCTGCAGGAACTCCTCCAGCCC[G>A]CAGGGCTTTAGCACAAAGTCACCCACGTCCACATTCCTCAGGTCATCATGGGTGTAGCAC-3'
Protein context (NP_001364263.1, residues 419-439): VDVGDFVLKP[Cys429=]GLEEFLQNKH